The following is an entry in ClinVar:

ClinVar aggregate classification (germline): Uncertain significance (1 of 4 stars; one submission).

Conditions:
Peroxisome biogenesis disorder, complementation group 7 (CG7). Also called: Peroxisome biogenesis disorder, complementation group B. Identifiers: MedGen C1864399.

Allele frequency attached by ClinVar (database versions not stated): gnomAD exomes below 0.00001.

Submission:

Labcorp Genetics (formerly Invitae), Labcorp
Classification: Uncertain significance for Peroxisome biogenesis disorder, complementation group 7. Last evaluated: 2022-11-01. Review status: criteria provided, single submitter. Criteria: Invitae Variant Classification Sherloc (09022015). Collection method: clinical testing. Allele origin: germline.
Comment: In summary, the available evidence is currently insufficient to determine the role of this variant in disease. Therefore, it has been classified as a Variant of Uncertain Significance. This sequence change replaces glycine, which is neutral and non-polar, with arginine, which is basic and polar, at codon 197 of the PEX10 protein (p.Gly197Arg). This variant is present in population databases (no rsID available, gnomAD 0.0009%). This variant has not been reported in the literature in individuals affected with PEX10-related conditions. ClinVar contains an entry for this variant (Variation ID: 1517079). Algorithms developed to predict the effect of missense changes on protein structure and function are either unavailable or do not agree on the potential impact of this missense change (SIFT: "Deleterious"; PolyPhen-2: "Benign"; Align-GVGD: "Class C65").

NM_002617.4(PEX10):c.589G>A (p.Gly197Arg)

Gene: PEX10 (peroxisomal biogenesis factor 10; minus strand). Cytogenetic location: 1p36.32.
Variant type: single nucleotide variant.
Coding change: c.589G>A on transcript NM_002617.4 (MANE Select); coding-DNA position 589, G replaced by A.
Protein change: p.Gly197Arg; replaces glycine 197 with arginine.
Molecular consequence: missense variant. On other transcripts: non-coding transcript variant (1).
Genome position (GRCh38, 1-based): chr1:2,408,463, C>T on the plus strand (G>A on the coding strand, the complement: PEX10 is on the minus strand). VCF-style: chr1-2408463-C-T. GRCh37 (hg19) VCF-style: chr1-2339902-C-T.
Other names: c.589G>A, p.Gly197Arg (NM_001374425.1, NM_153818.2); c.157G>A, p.Gly53Arg (NM_001374426.1, NM_001374427.1); short protein forms G197R, G53R.
Identifiers: ClinVar variation 1517079 (VCV001517079.6), dbSNP rs1397641277, ClinGen allele CA337986861.